The following is an entry in ClinVar:

NM_021619.3(PRDM12):c.686A>C (p.Asp229Ala)

Genes: PRDM12 (PR/SET domain 12; plus strand), LOC130002813 (ATAC-STARR-seq lymphoblastoid silent region 20403; plus strand). Cytogenetic location: 9q34.12.
Variant type: single nucleotide variant.
Coding change: c.686A>C on transcript NM_021619.3 (MANE Select); coding-DNA position 686, A replaced by C.
Protein change: p.Asp229Ala; replaces aspartic acid 229 with alanine.
Molecular consequence: missense variant.
Genome position (GRCh38, 1-based): chr9:130,681,251, A>C. VCF-style: chr9-130681251-A-C. GRCh37 (hg19) VCF-style: chr9-133556638-A-C.
Other names: p.Asp229Ala; short protein forms D229A.
Identifiers: ClinVar variation 3379907 (VCV003379907.1).

ClinVar aggregate classification (germline): Uncertain significance (1 of 4 stars; one submission).

Submission:

Mayo Clinic Laboratories, Mayo Clinic
Classification: Uncertain significance. Last evaluated: 2023-09-22. Review status: criteria provided, single submitter. Criteria: ACMG Guidelines, 2015. Collection method: clinical testing. Allele origin: germline. Observed: 1 variant allele.
Comment: BP4, PM2_moderate